The following is an entry in ClinVar:

ClinVar aggregate classification (germline): Uncertain significance (1 of 4 stars; one submission).

Conditions:
Primary ciliary dyskinesia. Also called: Ciliary dyskinesia. Identifiers: Orphanet 244, MedGen C0008780, MONDO:0016575, HP:0012265.

Allele frequency attached by ClinVar (database versions not stated): TOPMed below 0.00001.

Submission:

Labcorp Genetics (formerly Invitae), Labcorp
Classification: Uncertain significance for Primary ciliary dyskinesia. Last evaluated: 2022-07-15. Review status: criteria provided, single submitter. Criteria: Invitae Variant Classification Sherloc (09022015). Collection method: clinical testing. Allele origin: germline.
Comment: In summary, the available evidence is currently insufficient to determine the role of this variant in disease. Therefore, it has been classified as a Variant of Uncertain Significance. Algorithms developed to predict the effect of sequence changes on RNA splicing suggest that this variant may disrupt the consensus splice site. Algorithms developed to predict the effect of missense changes on protein structure and function (SIFT, PolyPhen-2, Align-GVGD) all suggest that this variant is likely to be tolerated. This variant has not been reported in the literature in individuals affected with CCDC39-related conditions. This variant is not present in population databases (gnomAD no frequency). This sequence change replaces serine, which is neutral and polar, with glycine, which is neutral and non-polar, at codon 271 of the CCDC39 protein (p.Ser271Gly).

NM_181426.2(CCDC39):c.811A>G (p.Ser271Gly)

Gene: CCDC39 (coiled-coil domain 39 molecular ruler complex subunit; minus strand). Cytogenetic location: 3q26.33.
Variant type: single nucleotide variant.
Coding change: c.811A>G on transcript NM_181426.2 (MANE Select); coding-DNA position 811, A replaced by G.
Protein change: p.Ser271Gly; replaces serine 271 with glycine.
Molecular consequence: missense variant.
Genome position (GRCh38, 1-based): chr3:180,654,881, T>C on the plus strand (A>G on the coding strand, the complement: CCDC39 is on the minus strand). VCF-style: chr3-180654881-T-C. GRCh37 (hg19) VCF-style: chr3-180372669-T-C.
Other names: short protein forms S271G.
Identifiers: ClinVar variation 2002385 (VCV002002385.4), dbSNP rs201699189, ClinGen allele CA88634026.